The following is an entry in ClinVar:

ClinVar aggregate classification (germline): Uncertain significance (1 of 4 stars; one submission).

Conditions:
Cardiovascular phenotype. Identifiers: MedGen CN230736.

Allele frequency attached by ClinVar (database versions not stated): TOPMed below 0.00001; gnomAD exomes 0.00001.
gnomAD v4.1: 4 of 1,613,944 alleles (0.00025%); highest among the groups gnomAD compares: Non-Finnish European, 0.00025%; no homozygotes.

Submission:

Ambry Genetics
Classification: Uncertain significance for Cardiovascular phenotype. Last evaluated: 2025-04-19. Review status: criteria provided, single submitter. Criteria: Ambry Variant Classification Scheme 2023. Collection method: clinical testing. Allele origin: germline.
Comment: The p.S121T variant (also known as c.362G>C), located in coding exon 4 of the ABCA1 gene, results from a G to C substitution at nucleotide position 362. The serine at codon 121 is replaced by threonine, an amino acid with similar properties. This amino acid position is conserved. In addition, the in silico prediction for this alteration is inconclusive. Since supporting evidence is limited at this time, the clinical significance of this alteration remains unclear.

NM_005502.4(ABCA1):c.362G>C (p.Ser121Thr)

Gene: ABCA1 (ATP binding cassette subfamily A member 1; minus strand). Cytogenetic location: 9q31.1.
Variant type: single nucleotide variant.
Coding change: c.362G>C on transcript NM_005502.4 (MANE Select); coding-DNA position 362, G replaced by C.
Protein change: p.Ser121Thr; replaces serine 121 with threonine.
Molecular consequence: missense variant.
Genome position (GRCh38, 1-based): chr9:104,883,098, C>G on the plus strand (G>C on the coding strand, the complement: ABCA1 is on the minus strand). VCF-style: chr9-104883098-C-G. GRCh37 (hg19) VCF-style: chr9-107645379-C-G.
Other names: short protein forms S121T.
Identifiers: ClinVar variation 1733397 (VCV001733397.3), dbSNP rs1564241066, ClinGen allele CA374316008.